The following is an entry in ClinVar:

ClinVar aggregate classification (germline): Uncertain significance. Review status: criteria provided, multiple submitters, no conflicts (2 of 4 stars). 3 submissions from 3 submitters: Uncertain significance (3). Last evaluated 2025-09-23.

Conditions:
Hypertrophic cardiomyopathy 12. Identifiers: MedGen C2677491, MONDO:0012804, OMIM 612124.
Dilated cardiomyopathy 1M (CMD1M). Identifiers: Orphanet 154, MedGen C1843808, MONDO:0011840, OMIM 607482.
Cardiovascular phenotype. Identifiers: MedGen CN230736.

Submissions (3):

Labcorp Genetics (formerly Invitae), Labcorp
Classification: Uncertain significance for Hypertrophic cardiomyopathy 12; Dilated cardiomyopathy 1M. Last evaluated: 2025-09-23. Review status: criteria provided, single submitter. Criteria: Invitae Variant Classification Sherloc (09022015). Collection method: clinical testing. Allele origin: germline.
Comment: This sequence change replaces lysine, which is basic and polar, with glutamic acid, which is acidic and polar, at codon 142 of the CSRP3 protein (p.Lys142Glu). This variant is not present in population databases (gnomAD no frequency). This variant has not been reported in the literature in individuals affected with CSRP3-related conditions. ClinVar contains an entry for this variant (Variation ID: 1678495). An algorithm developed to predict the effect of missense changes on protein structure and function (PolyPhen-2) suggests that this variant is likely to be disruptive. In summary, the available evidence is currently insufficient to determine the role of this variant in disease. Therefore, it has been classified as a Variant of Uncertain Significance.

Ambry Genetics
Classification: Uncertain significance for Cardiovascular phenotype. Last evaluated: 2024-04-27. Review status: criteria provided, single submitter. Criteria: Ambry Variant Classification Scheme 2023. Collection method: clinical testing. Allele origin: germline.
Comment: The p.K142E variant (also known as c.424A>G), located in coding exon 4 of the CSRP3 gene, results from an A to G substitution at nucleotide position 424. The lysine at codon 142 is replaced by glutamic acid, an amino acid with similar properties. This amino acid position is highly conserved in available vertebrate species. In addition, this alteration is predicted to be deleterious by in silico analysis. Since supporting evidence is limited at this time, the clinical significance of this alteration remains unclear.

AiLife Diagnostics
Classification: Uncertain significance. Last evaluated: 2021-06-28. Review status: criteria provided, single submitter. Criteria: ACMG Guidelines, 2015. Collection method: clinical testing. Allele origin: germline. Affected: yes. Observed: 1 variant allele.

NM_003476.5(CSRP3):c.424A>G (p.Lys142Glu)

Gene: CSRP3 (cysteine and glycine rich protein 3; minus strand). Cytogenetic location: 11p15.1.
Variant type: single nucleotide variant.
Coding change: c.424A>G on transcript NM_003476.5 (MANE Select); coding-DNA position 424, A replaced by G.
Protein change: p.Lys142Glu; replaces lysine 142 with glutamic acid.
Molecular consequence: missense variant. On other transcripts: synonymous variant (1).
Genome position (GRCh38, 1-based): chr11:19,185,036, T>C on the plus strand (A>G on the coding strand, the complement: CSRP3 is on the minus strand). VCF-style: chr11-19185036-T-C. GRCh37 (hg19) VCF-style: chr11-19206583-T-C.
Other names: c.255A>G, p.Thr85= (NM_001369404.1); short protein forms K142E.
Identifiers: ClinVar variation 1678495 (VCV001678495.9), dbSNP rs2133506962, ClinGen allele CA379887789.